The following is an entry in ClinVar:

NM_003476.5(CSRP3):c.154C>T (p.His52Tyr)

Gene: CSRP3 (cysteine and glycine rich protein 3; minus strand). Cytogenetic location: 11p15.1.
Variant type: single nucleotide variant.
Coding change: c.154C>T on transcript NM_003476.5 (MANE Select); coding-DNA position 154, C replaced by T.
Protein change: p.His52Tyr; replaces histidine 52 with tyrosine.
Molecular consequence: missense variant. On other transcripts: intron variant (1).
Genome position (GRCh38, 1-based): chr11:19,188,263, G>A on the plus strand (C>T on the coding strand, the complement: CSRP3 is on the minus strand). VCF-style: chr11-19188263-G-A. GRCh37 (hg19) VCF-style: chr11-19209810-G-A.
Other names: c.113-1915C>T (NM_001369404.1); short protein forms H52Y.
Identifiers: ClinVar variation 636798 (VCV000636798.7), dbSNP rs1590104432, ClinGen allele CA379888373.

ClinVar aggregate classification (germline): Uncertain significance. Review status: criteria provided, multiple submitters, no conflicts (2 of 4 stars). 2 submissions from 2 submitters: Uncertain significance (2). Last evaluated 2024-05-13.

Conditions:
Hypertrophic cardiomyopathy 12. Identifiers: MedGen C2677491, MONDO:0012804, OMIM 612124.
Dilated cardiomyopathy 1M (CMD1M). Identifiers: Orphanet 154, MedGen C1843808, MONDO:0011840, OMIM 607482.

Submissions (2):

Labcorp Genetics (formerly Invitae), Labcorp
Classification: Uncertain significance for Hypertrophic cardiomyopathy 12; Dilated cardiomyopathy 1M. Last evaluated: 2024-05-13. Review status: criteria provided, single submitter. Criteria: Invitae Variant Classification Sherloc (09022015). Collection method: clinical testing. Allele origin: germline.
Comment: This sequence change replaces histidine, which is basic and polar, with tyrosine, which is neutral and polar, at codon 52 of the CSRP3 protein (p.His52Tyr). This variant is not present in population databases (gnomAD no frequency). This variant has not been reported in the literature in individuals affected with CSRP3-related conditions. ClinVar contains an entry for this variant (Variation ID: 636798). An algorithm developed to predict the effect of missense changes on protein structure and function (PolyPhen-2) suggests that this variant is likely to be disruptive. In summary, the available evidence is currently insufficient to determine the role of this variant in disease. Therefore, it has been classified as a Variant of Uncertain Significance.

Blueprint Genetics
Classification: Uncertain significance. Last evaluated: 2018-09-23. Review status: criteria provided, single submitter. Criteria: ACMG Guidelines, 2015. Collection method: clinical testing. Allele origin: germline.